The following is an entry in ClinVar:

NM_024426.6(WT1):c.375C>T (p.Gly125=)

Genes: WT1 (WT1 transcription factor; minus strand), LOC107982234 (WT1/WT1-AS bi-directional promoter region; plus strand). Cytogenetic location: 11p13.
Variant type: single nucleotide variant.
Coding change: c.375C>T on transcript NM_024426.6 (MANE Select); coding-DNA position 375, C replaced by T.
Protein change: p.Gly125=; no amino-acid change (glycine 125 retained).
Molecular consequence: synonymous variant. On other transcripts: non-coding transcript variant (1).
Genome position (GRCh38, 1-based): chr11:32,434,986, G>A on the plus strand (C>T on the coding strand, the complement: WT1 is on the minus strand). VCF-style: chr11-32434986-G-A. GRCh37 (hg19) VCF-style: chr11-32456532-G-A.
Other names: c.375C>T, p.Gly125= (NM_000378.6, NM_024424.5).
Identifiers: ClinVar variation 241481 (VCV000241481.61), dbSNP rs776209354, ClinGen allele CA064860.

ClinVar aggregate classification (germline): Conflicting classifications of pathogenicity. Review status: criteria provided, conflicting classifications (1 of 4 stars). 10 submissions from 8 submitters: Uncertain significance (1); Benign (3); Likely benign (5). 1 of the submissions does not count toward it. Last evaluated 2026-01-19.

Conditions:
WT1-related disorder. Also called: WT1-related disorders. Identifiers: MedGen CN377814.
Wilms tumor 1 (WT1). Also called: Wilms tumor, somatic. Identifiers: Orphanet 654, MedGen CN033288, MONDO:0008679, OMIM 194070.
11p partial monosomy syndrome (WAGR). Also called: WAGR Spectrum Disorder; WAGR syndrome; WAGR Complex; CHROMOSOME 11p13 DELETION SYNDROME. Identifiers: Orphanet 893, MedGen C0206115, MONDO:0008681, OMIM 194072.
Drash syndrome (DDS). Also called: NEPHROPATHY, WILMS TUMOR, AND GENITAL ANOMALIES; WILMS TUMOR AND PSEUDO- OR TRUE HERMAPHRODITISM. Identifiers: Orphanet 220, MedGen C0950121, MONDO:0008682, OMIM 194080.
Frasier syndrome. Identifiers: Orphanet 347, MedGen C0950122, MeSH D052159, MONDO:0007635, OMIM 136680.
Hereditary cancer-predisposing syndrome. Also called: Tumor predisposition; Hereditary Cancer Syndrome; Neoplastic Syndromes, Hereditary; Hereditary neoplastic syndrome. Identifiers: Orphanet 140162, MedGen C0027672, MeSH D009386, MONDO:0015356.
Nephrotic syndrome, type 4 (NPHS4). Also called: Familial mesangial sclerosis; Nephrotic syndrome, early onset with diffuse mesangial sclerosis. Identifiers: Orphanet 656, MedGen C3151568, MONDO:0009733, OMIM 256370.
Inborn genetic diseases. Identifiers: MedGen C0950123, MeSH D030342.
Meacham syndrome. Also called: Meacham Winn Culler syndrome. Identifiers: Orphanet 3097, MedGen C1837026, MONDO:0012164, OMIM 608978.

Allele frequency attached by ClinVar (database versions not stated): TOPMed 0.00022; gnomAD exomes 0.00024 and 0.00037; gnomAD 0.00039; ExAC 0.00043.
gnomAD v4.1: 388 of 1,511,956 alleles (0.026%); highest among the groups gnomAD compares: Non-Finnish European, 0.028%; 1 homozygote.

Submissions (10):

Labcorp Genetics (formerly Invitae), Labcorp
Classification: Benign for Wilms tumor 1; Drash syndrome; 11p partial monosomy syndrome; Frasier syndrome. Last evaluated: 2026-01-19. Review status: criteria provided, single submitter. Criteria: Invitae Variant Classification Sherloc (09022015). Collection method: clinical testing. Allele origin: germline.

CeGaT Center for Human Genetics Tuebingen
Classification: Likely benign. Last evaluated: 2025-07-01. Review status: criteria provided, single submitter. Criteria: CeGaT Center For Human Genetics Tuebingen Variant Classification Criteria Version 2. Collection method: clinical testing. Allele origin: germline. Affected: yes. Observed: 19 variant alleles.
Comment: WT1: BP4, BP7

Laboratory of Genetics, Children's Clinical University Hospital Latvia
Classification: Likely benign. Last evaluated: 2025-02-16. Review status: criteria provided, single submitter. Criteria: ACMG Guidelines, 2015. Collection method: clinical testing. Allele origin: germline. Affected: yes.

Blueprint Genetics
Classification: Likely benign. Last evaluated: 2024-11-14. Review status: criteria provided, single submitter. Criteria: ACMG Guidelines, 2015. Collection method: clinical testing. Allele origin: germline.

Ambry Genetics
Classification: Likely benign for Inborn genetic diseases. Last evaluated: 2024-08-21. Review status: criteria provided, single submitter. Criteria: Ambry Variant Classification Scheme 2023. Collection method: clinical testing. Allele origin: germline.

Sema4
Classification: Benign for Hereditary cancer-predisposing syndrome. Last evaluated: 2020-10-16. Review status: criteria provided, single submitter. Criteria: Sema4 Curation Guidelines. Collection method: curation. Allele origin: germline.

Illumina Laboratory Services, Illumina
Classification: Likely benign for Wilms tumor 1. Last evaluated: 2018-01-13. Review status: criteria provided, single submitter. Criteria: ICSL Variant Classification Criteria 13 December 2019. Collection method: clinical testing. Allele origin: germline.
Comment: This variant was observed in the ICSL laboratory as part of a predisposition screen in an ostensibly healthy population. It had not been previously curated by ICSL or reported in the Human Gene Mutation Database (HGMD: prior to June 1st, 2018), and was therefore a candidate for classification through an automated scoring system. Utilizing variant allele frequency, disease prevalence and penetrance estimates, and inheritance mode, an automated score was calculated to assess if this variant is too frequent to cause the disease. Based on the score and internal cut-off values, a variant classified as likely benign is not then subjected to further curation. The score for this variant resulted in a classification of likely benign for this disease.

Illumina Laboratory Services, Illumina
Classification: Benign for Meacham syndrome. Last evaluated: 2018-01-13. Review status: criteria provided, single submitter. Criteria: ICSL Variant Classification Criteria 13 December 2019. Collection method: clinical testing. Allele origin: germline.
Comment: This variant was observed in the ICSL laboratory as part of a predisposition screen in an ostensibly healthy population. It had not been previously curated by ICSL or reported in the Human Gene Mutation Database (HGMD: prior to June 1st, 2018), and was therefore a candidate for classification through an automated scoring system. Utilizing variant allele frequency, disease prevalence and penetrance estimates, and inheritance mode, an automated score was calculated to assess if this variant is too frequent to cause the disease. Based on the score and internal cut-off values, a variant classified as benign is not then subjected to further curation. The score for this variant resulted in a classification of benign for this disease.

Illumina Laboratory Services, Illumina
Classification: Uncertain significance for Nephrotic syndrome, type 4. Last evaluated: 2018-01-13. Review status: criteria provided, single submitter. Criteria: ICSL Variant Classification Criteria 13 December 2019. Collection method: clinical testing. Allele origin: germline.

PreventionGenetics, part of Exact Sciences
Classification: Likely benign for WT1-related condition. Last evaluated: 2021-08-27. Review status: no assertion criteria provided. Collection method: clinical testing. Allele origin: germline. Not counted in ClinVar's aggregate classification.
Comment: This variant is classified as likely benign based on ACMG/AMP sequence variant interpretation guidelines (Richards et al. 2015 PMID: 25741868, with internal and published modifications).